The following is an entry in ClinVar:

ClinVar aggregate classification (germline): Conflicting classifications of pathogenicity. Review status: criteria provided, conflicting classifications (1 of 4 stars). 4 submissions from 4 submitters: Uncertain significance (1); Likely benign (2). 1 of the submissions does not count toward it. Last evaluated 2025-10-19.

Conditions:
Perlman syndrome (PRLMNS). Identifiers: Orphanet 2849, MedGen C0796113, MONDO:0009965, OMIM 267000.
DIS3L2-related disorder. Also called: DIS3L2-related condition.

Allele frequency attached by ClinVar (database versions not stated): gnomAD 0.00001; TOPMed 0.00001; gnomAD exomes 0.00003 and 0.00005; ExAC 0.00004.
gnomAD v4.1: 44 of 1,602,124 alleles (0.0027%); highest among the groups gnomAD compares: South Asian, 0.019%; no homozygotes.

Submissions (4):

Labcorp Genetics (formerly Invitae), Labcorp
Classification: Likely benign for Perlman syndrome. Last evaluated: 2025-10-19. Review status: criteria provided, single submitter. Criteria: Invitae Variant Classification Sherloc (09022015). Collection method: clinical testing. Allele origin: germline.

CeGaT Center for Human Genetics Tuebingen
Classification: Likely benign. Last evaluated: 2024-10-01. Review status: criteria provided, single submitter. Criteria: CeGaT Center For Human Genetics Tuebingen Variant Classification Criteria Version 2. Collection method: clinical testing. Allele origin: germline. Affected: yes. Observed: 1 variant allele.
Comment: DIS3L2: BP4, BP7

Illumina Laboratory Services, Illumina
Classification: Uncertain significance for Perlman syndrome. Last evaluated: 2018-01-12. Review status: criteria provided, single submitter. Criteria: ICSL Variant Classification Criteria 13 December 2019. Collection method: clinical testing. Allele origin: germline.

PreventionGenetics, part of Exact Sciences
Classification: Likely benign for DIS3L2-related condition. Last evaluated: 2021-05-10. Review status: no assertion criteria provided. Collection method: clinical testing. Allele origin: germline. Not counted in ClinVar's aggregate classification.
Comment: This variant is classified as likely benign based on ACMG/AMP sequence variant interpretation guidelines (Richards et al. 2015 PMID: 25741868, with internal and published modifications).

NM_152383.5(DIS3L2):c.2394C>T (p.Asn798=)

Gene: DIS3L2 (DIS3 like 3'-5' exoribonuclease 2; plus strand). Cytogenetic location: 2q37.1.
Variant type: single nucleotide variant.
Coding change: c.2394C>T on transcript NM_152383.5 (MANE Select); coding-DNA position 2394, C replaced by T.
Protein change: p.Asn798=; no amino-acid change (asparagine 798 retained).
Molecular consequence: synonymous variant. On other transcripts: non-coding transcript variant (2), intron variant (1).
Genome position (GRCh38, 1-based): chr2:232,334,735, C>T. VCF-style: chr2-232334735-C-T. GRCh37 (hg19) VCF-style: chr2-233199445-C-T.
Other names: c.1582-8610C>T (NM_001257281.2).
Identifiers: ClinVar variation 463106 (VCV000463106.28), dbSNP rs773602107, ClinGen allele CA2164519.